The following is an entry in ClinVar:

NM_080911.3(UNG):c.638A>G (p.Asn213Ser)

Gene: UNG (uracil DNA glycosylase; plus strand). Cytogenetic location: 12q24.11.
Variant type: single nucleotide variant.
Coding change: c.638A>G on transcript NM_080911.3 (MANE Select); coding-DNA position 638, A replaced by G.
Protein change: p.Asn213Ser; replaces asparagine 213 with serine.
Molecular consequence: missense variant.
Genome position (GRCh38, 1-based): chr12:109,103,448, A>G. VCF-style: chr12-109103448-A-G. GRCh37 (hg19) VCF-style: chr12-109541253-A-G.
Other names: c.611A>G, p.Asn204Ser (NM_003362.4); short protein forms N213S, N204S.
Identifiers: ClinVar variation 946258 (VCV000946258.6), dbSNP rs776921243, ClinGen allele CA6772721.

ClinVar aggregate classification (germline): Uncertain significance (1 of 4 stars; one submission).

Conditions:
Hyper-IgM syndrome type 5 (HIGM5). Also called: Hyper-IgM Immunodeficiency Syndrome, Type 5. Identifiers: Orphanet 101092, MedGen C1720958, MONDO:0011971, OMIM 608106.

Allele frequency attached by ClinVar (database versions not stated): gnomAD 0.00001; gnomAD exomes 0.00001 and 0.00006; ExAC 0.00002; TOPMed 0.00002.
gnomAD v4.1: 20 of 1,613,972 alleles (0.0012%); highest among the groups gnomAD compares: Admixed American, 0.03%; no homozygotes.

Submission:

Labcorp Genetics (formerly Invitae), Labcorp
Classification: Uncertain significance for Hyper-IgM syndrome type 5. Last evaluated: 2023-04-03. Review status: criteria provided, single submitter. Criteria: Invitae Variant Classification Sherloc (09022015). Collection method: clinical testing. Allele origin: germline.
Comment: In summary, the available evidence is currently insufficient to determine the role of this variant in disease. Therefore, it has been classified as a Variant of Uncertain Significance. Advanced modeling of protein sequence and biophysical properties (such as structural, functional, and spatial information, amino acid conservation, physicochemical variation, residue mobility, and thermodynamic stability) performed at Invitae indicates that this missense variant is expected to disrupt UNG protein function. ClinVar contains an entry for this variant (Variation ID: 946258). This variant has not been reported in the literature in individuals affected with UNG-related conditions. This variant is present in population databases (rs776921243, gnomAD 0.04%). This sequence change replaces asparagine, which is neutral and polar, with serine, which is neutral and polar, at codon 213 of the UNG protein (p.Asn213Ser).